The following is an entry in ClinVar:

ClinVar aggregate classification (germline): Uncertain significance (1 of 4 stars; one submission).

Submission:

GeneDx
Classification: Uncertain significance. Last evaluated: 2023-03-20. Review status: criteria provided, single submitter. Criteria: GeneDx Variant Classification Process June 2021. Collection method: clinical testing. Allele origin: germline. Affected: yes.
Comment: Not observed at significant frequency in large population cohorts (gnomAD); In silico analysis supports that this missense variant does not alter protein structure/function; Has not been previously published as pathogenic or benign to our knowledge

NM_001378452.1(ITPR1):c.5500C>T (p.Leu1834Phe)

Gene: ITPR1 (inositol 1,4,5-trisphosphate receptor type 1; plus strand). Cytogenetic location: 3p26.1.
Variant type: single nucleotide variant.
Coding change: c.5500C>T on transcript NM_001378452.1 (MANE Select); coding-DNA position 5500, C replaced by T.
Protein change: p.Leu1834Phe; replaces leucine 1834 with phenylalanine.
Molecular consequence: missense variant.
Genome position (GRCh38, 1-based): chr3:4,735,310, C>T. VCF-style: chr3-4735310-C-T. GRCh37 (hg19) VCF-style: chr3-4776994-C-T.
Other names: c.5356C>T, p.Leu1786Phe (NM_001099952.4); c.5455C>T, p.Leu1819Phe (NM_001168272.2); c.5311C>T, p.Leu1771Phe (NM_002222.7); short protein forms L1771F, L1786F, L1819F, L1834F.
Identifiers: ClinVar variation 2580579 (VCV002580579.1), dbSNP rs2469953236, ClinGen allele CA351639393.